The following is an entry in ClinVar:

ClinVar aggregate classification (germline): Uncertain significance. Review status: criteria provided, multiple submitters, no conflicts (2 of 4 stars). 3 submissions from 3 submitters: Uncertain significance (3). Last evaluated 2024-03-07.

Conditions:
Familial hypercholesterolemia. Also called: Familial hypercholesterolaemia; Familial hypercholesterolemias. Identifiers: MedGen C0020445, MONDO:0005439.
Hypercholesterolemia, autosomal dominant, 3 (FHCL3). Also called: Familial hypercholesterolemia 3; Familial Hypercholesterolemia, Autosomal Dominant, 3; PCSK9-Related Familial Hypercholesterolemia, Autosomal Dominant. Identifiers: MedGen C1863551, MONDO:0011369, OMIM 603776.

gnomAD v4.1: 3 of 1,613,898 alleles (0.00019%); highest among the groups gnomAD compares: Non-Finnish European, 0.00025%; no homozygotes.

Submissions (3):

Color Diagnostics, LLC DBA Color Health
Classification: Uncertain significance for Familial hypercholesterolemia. Last evaluated: 2024-03-07. Review status: criteria provided, single submitter. Criteria: ACMG Guidelines, 2015. Collection method: clinical testing. Allele origin: germline.
Comment: This missense variant replaces threonine with asparagine at codon 377 of the PCSK9 protein. Computational prediction tools indicate that this variant has a neutral impact on protein structure and function. To our knowledge, functional studies have not been reported for this variant. This variant has not been reported in individuals affected with PCSK9-related disorders in the literature. This variant has been identified in 1/251032 chromosomes in the general population by the Genome Aggregation Database (gnomAD). The available evidence is insufficient to determine the role of this variant in disease conclusively. Therefore, this variant is classified as a Variant of Uncertain Significance.

All of Us Research Program, National Institutes of Health
Classification: Uncertain significance for Hypercholesterolemia, autosomal dominant, 3. Last evaluated: 2024-02-05. Review status: criteria provided, single submitter. Criteria: ACMG Guidelines, 2015. Collection method: clinical testing. Allele origin: germline. Inheritance: Autosomal dominant inheritance. Observed: 3 variant alleles, 3 heterozygotes.
Comment: This missense variant replaces threonine with asparagine at codon 377 of the PCSK9 protein. Computational prediction suggests that this variant may not impact protein structure and function (internally defined REVEL score threshold <= 0.5, PMID: 27666373). To our knowledge, functional studies have not been reported for this variant. This variant has not been reported in individuals affected with familial hypercholesterolemia in the literature. This variant has been identified in 1/251032 chromosomes in the general population by the Genome Aggregation Database (gnomAD). The available evidence is insufficient to determine the role of this variant in disease conclusively. Therefore, this variant is classified as a Variant of Uncertain Significance.

This study involves interpretation of variants in research participants for the purpose of population health screening. Participant phenotype was not available at the time of variant classification. Additional details can be found in publication PMID: 35346344, PMCID: PMC8962531

Fulgent Genetics
Classification: Uncertain significance for Hypercholesterolemia, autosomal dominant, 3. Last evaluated: 2021-10-20. Review status: criteria provided, single submitter. Criteria: ACMG Guidelines, 2015. Collection method: clinical testing. Allele origin: unknown.

NM_174936.4(PCSK9):c.1130C>A (p.Thr377Asn)

Gene: PCSK9 (proprotein convertase subtilisin/kexin type 9; plus strand). Cytogenetic location: 1p32.3.
Variant type: single nucleotide variant.
Coding change: c.1130C>A on transcript NM_174936.4 (MANE Select); coding-DNA position 1130, C replaced by A.
Protein change: p.Thr377Asn; replaces threonine 377 with asparagine.
Molecular consequence: missense variant.
Genome position (GRCh38, 1-based): chr1:55,057,464, C>A. VCF-style: chr1-55057464-C-A. GRCh37 (hg19) VCF-style: chr1-55523137-C-A.
Other names: c.1253C>A, p.Thr418Asn (NM_001407240.1); c.1130C>A, p.Thr377Asn (NM_001407241.1, NM_001407244.1, NM_001407247.1); c.1133C>A, p.Thr378Asn (NM_001407242.1); c.1073C>A, p.Thr358Asn (NM_001407243.1); c.938C>A, p.Thr313Asn (NM_001407245.1); c.755C>A, p.Thr252Asn (NM_001407246.1); short protein forms T377N, T313N, T358N, T418N, T378N, T252N.
Identifiers: ClinVar variation 1172285 (VCV001172285.7), dbSNP rs760947578, ClinGen allele CA340476781.